The following is an entry in ClinVar:

ClinVar aggregate classification (germline): Benign/Likely benign. Review status: criteria provided, multiple submitters, no conflicts (2 of 4 stars). 7 submissions from 7 submitters: Benign (2); Likely benign (4). 1 of the submissions does not count toward it. Last evaluated 2026-01-31.

Conditions:
Galactosylceramide beta-galactosidase deficiency. Also called: Leukodystrophy, Globoid Cell; Krabbe Disease; GALACTOCEREBROSIDASE DEFICIENCY; GALC DEFICIENCY; GLOBOID CELL LEUKOENCEPHALOPATHY. Identifiers: Orphanet 487, MedGen C0023521, MONDO:0009499, OMIM 245200.

Allele frequency attached by ClinVar (database versions not stated): gnomAD exomes 0.00039 and 0.00055; ESP Exome Variant Server 0.00063; ExAC 0.00089; 1000 Genomes Project 30x 0.00578; 1000 Genomes Project 0.00599; gnomAD 0.00612 and 0.00653; TOPMed 0.00699.
gnomAD v4.1: 1,703 of 1,512,872 alleles (0.11%); highest among the groups gnomAD compares: African/African-American, 2.2%; 15 homozygotes.

Submissions (7):

Labcorp Genetics (formerly Invitae), Labcorp
Classification: Benign for Galactosylceramide beta-galactosidase deficiency. Last evaluated: 2026-01-31. Review status: criteria provided, single submitter. Criteria: Invitae Variant Classification Sherloc (09022015). Collection method: clinical testing. Allele origin: germline.

Blueprint Genetics
Classification: Likely benign. Last evaluated: 2024-10-30. Review status: criteria provided, single submitter. Criteria: ACMG Guidelines, 2015. Collection method: clinical testing. Allele origin: germline.

Mayo Clinic Laboratories, Mayo Clinic
Classification: Benign. Last evaluated: 2023-06-05. Review status: criteria provided, single submitter. Criteria: ACMG Guidelines, 2015. Collection method: clinical testing. Allele origin: germline. Observed: 6 variant alleles.

GeneDx
Classification: Likely benign. Last evaluated: 2019-02-02. Review status: criteria provided, single submitter. Criteria: GeneDx Variant Classification Process June 2021. Collection method: clinical testing. Allele origin: germline. Affected: yes.

Illumina Laboratory Services, Illumina
Classification: Likely benign for Galactosylceramide beta-galactosidase deficiency. Last evaluated: 2018-01-13. Review status: criteria provided, single submitter. Criteria: ICSL Variant Classification Criteria 13 December 2019. Collection method: clinical testing. Allele origin: germline.
Comment: This variant was observed in the ICSL laboratory as part of a predisposition screen in an ostensibly healthy population. It had not been previously curated by ICSL or reported in the Human Gene Mutation Database (HGMD: prior to June 1st, 2018), and was therefore a candidate for classification through an automated scoring system. Utilizing variant allele frequency, disease prevalence and penetrance estimates, and inheritance mode, an automated score was calculated to assess if this variant is too frequent to cause the disease. Based on the score and internal cut-off values, a variant classified as likely benign is not then subjected to further curation. The score for this variant resulted in a classification of likely benign for this disease.

Breakthrough Genomics
Classification: Likely benign. Review status: criteria provided, single submitter. Criteria: ACMG Guidelines, 2015. Collection method: not provided. Allele origin: germline. Inheritance: Autosomal recessive inheritance. Affected: yes.

Natera, Inc.
Classification: Likely benign for Galactosylceramide beta-galactosidase deficiency. Last evaluated: 2019-12-04. Review status: no assertion criteria provided. Collection method: clinical testing. Allele origin: germline. Not counted in ClinVar's aggregate classification.

NM_000153.4(GALC):c.195+10A>G

Genes: GALC (galactosylceramidase; minus strand), LOC130056217 (ATAC-STARR-seq lymphoblastoid silent region 5988; plus strand). Cytogenetic location: 14q31.3.
Variant type: single nucleotide variant.
Coding change: c.195+10A>G on transcript NM_000153.4 (MANE Select); 10 bases into the intron after coding-DNA position 195, A replaced by G.
Molecular consequence: intron variant.
Genome position (GRCh38, 1-based): chr14:87,992,960, T>C on the plus strand (A>G on the coding strand, the complement: GALC is on the minus strand). VCF-style: chr14-87992960-T-C. GRCh37 (hg19) VCF-style: chr14-88459304-T-C.
Other names: p.?; c.117+423A>G (NM_001201402.2); c.195+10A>G (NM_001201401.2).
Identifiers: ClinVar variation 456716 (VCV000456716.24), dbSNP rs191767015, ClinGen allele CA7297488.